The following is an entry in ClinVar:

ClinVar aggregate classification (germline): Conflicting classifications of pathogenicity. Review status: criteria provided, conflicting classifications (1 of 4 stars). 3 submissions from 3 submitters: Uncertain significance (2); Likely benign (1). Last evaluated 2026-02-03.

Conditions:
Hereditary cancer-predisposing syndrome. Also called: Neoplastic Syndromes, Hereditary; Hereditary Cancer Syndrome; Tumor predisposition; Hereditary neoplastic syndrome. Identifiers: Orphanet 140162, MedGen C0027672, MeSH D009386, MONDO:0015356.
Basal cell carcinoma, susceptibility to, 1. Also called: BCC1. Identifiers: MedGen C2751544, MONDO:0011556, OMIM 605462.
Gorlin syndrome. Also called: Basal cell nevus syndrome; Nevoid Basal Cell Carcinoma Syndrome. Identifiers: Orphanet 377, MedGen C0004779, MONDO:0007187.

Allele frequency attached by ClinVar (database versions not stated): gnomAD exomes below 0.00001.
gnomAD v4.1: 1 of 1,612,992 alleles (0.000062%); highest among the groups gnomAD compares: African/African-American, 0.0013%; no homozygotes.

Submissions (3):

Labcorp Genetics (formerly Invitae), Labcorp
Classification: Uncertain significance for Gorlin syndrome. Last evaluated: 2026-02-03. Review status: criteria provided, single submitter. Criteria: Invitae Variant Classification Sherloc (09022015). Collection method: clinical testing. Allele origin: germline.
Comment: This sequence change replaces asparagine, which is neutral and polar, with lysine, which is basic and polar, at codon 1348 of the PTCH1 protein (p.Asn1348Lys). This variant is not present in population databases (gnomAD no frequency). This variant has not been reported in the literature in individuals affected with PTCH1-related conditions. ClinVar contains an entry for this variant (Variation ID: 1512707). Invitae Evidence Modeling of protein sequence and biophysical properties (such as structural, functional, and spatial information, amino acid conservation, physicochemical variation, residue mobility, and thermodynamic stability) indicates that this missense variant is not expected to disrupt PTCH1 protein function with a negative predictive value of 95%. In summary, the available evidence is currently insufficient to determine the role of this variant in disease. Therefore, it has been classified as a Variant of Uncertain Significance.

Ambry Genetics
Classification: Likely benign for Hereditary cancer-predisposing syndrome. Last evaluated: 2024-08-13. Review status: criteria provided, single submitter. Criteria: Ambry Variant Classification Scheme 2023. Collection method: clinical testing. Allele origin: germline.

Baylor Genetics
Classification: Uncertain significance for Basal cell carcinoma, susceptibility to, 1. Last evaluated: 2023-05-01. Review status: criteria provided, single submitter. Criteria: ACMG Guidelines, 2015. Collection method: clinical testing. Allele origin: unknown.

Literature cited by the submitters: PubMed 38981878 (cited by Ambry Genetics).

NM_000264.5(PTCH1):c.4044C>G (p.Asn1348Lys)

Gene: PTCH1 (patched 1; minus strand). Cytogenetic location: 9q22.32.
Variant type: single nucleotide variant.
Coding change: c.4044C>G on transcript NM_000264.5 (MANE Select); coding-DNA position 4044, C replaced by G.
Protein change: p.Asn1348Lys; replaces asparagine 1348 with lysine.
Molecular consequence: missense variant. On other transcripts: non-coding transcript variant (1).
Genome position (GRCh38, 1-based): chr9:95,447,212, G>C on the plus strand (C>G on the coding strand, the complement: PTCH1 is on the minus strand). VCF-style: chr9-95447212-G-C. GRCh37 (hg19) VCF-style: chr9-98209494-G-C.
Other names: c.3846C>G, p.Asn1282Lys (NM_001083602.3); c.4041C>G, p.Asn1347Lys (NM_001083603.3); c.3591C>G, p.Asn1197Lys (NM_001083604.3, NM_001083605.3, NM_001083606.3 and 1 more transcripts); c.3888C>G, p.Asn1296Lys (NM_001354918.2); short protein forms N1197K, N1296K, N1347K, N1282K, N1348K.
Identifiers: ClinVar variation 1512707 (VCV001512707.10), dbSNP rs1412873206, ClinGen allele CA374110424.